The following is an entry in ClinVar:

ClinVar aggregate classification (germline): Uncertain significance (1 of 4 stars; one submission).

gnomAD v4.1: 1 of 1,613,960 alleles (0.000062%); highest among the groups gnomAD compares: South Asian, 0.0011%; no homozygotes.

Submission:

Labcorp Genetics (formerly Invitae), Labcorp
Classification: Uncertain significance. Last evaluated: 2024-09-18. Review status: criteria provided, single submitter. Criteria: Invitae Variant Classification Sherloc (09022015). Collection method: clinical testing. Allele origin: germline.
Comment: This sequence change creates a premature translational stop signal (p.Tyr993*) in the TMPRSS15 gene. While this is not anticipated to result in nonsense mediated decay, it is expected to disrupt the last 27 amino acid(s) of the TMPRSS15 protein. This variant is not present in population databases (gnomAD no frequency). This variant has not been reported in the literature in individuals affected with TMPRSS15-related conditions. Experimental studies and prediction algorithms are not available or were not evaluated, and the functional significance of this variant is currently unknown. Algorithms developed to predict the effect of sequence changes on RNA splicing suggest that this variant may disrupt the consensus splice site. In summary, the available evidence is currently insufficient to determine the role of this variant in disease. Therefore, it has been classified as a Variant of Uncertain Significance.

NM_002772.3(TMPRSS15):c.2979C>G (p.Tyr993Ter)

Gene: TMPRSS15 (transmembrane serine protease 15; minus strand). Cytogenetic location: 21q21.1.
Variant type: single nucleotide variant.
Coding change: c.2979C>G on transcript NM_002772.3 (MANE Select); coding-DNA position 2979, C replaced by G.
Protein change: p.Tyr993Ter; replaces tyrosine 993 with a stop codon.
Molecular consequence: nonsense.
Genome position (GRCh38, 1-based): chr21:18,270,050, G>C on the plus strand (C>G on the coding strand, the complement: TMPRSS15 is on the minus strand). VCF-style: chr21-18270050-G-C. GRCh37 (hg19) VCF-style: chr21-19642367-G-C.
Other names: c.3114C>G, p.Tyr1038Ter (NM_001428056.1); c.2979C>G, p.Tyr993Ter (NM_001428057.1); short protein forms Y1038*, Y993*.
Identifiers: ClinVar variation 3671586 (VCV003671586.2).